The following is an entry in ClinVar:

ClinVar aggregate classification (germline): Uncertain significance (1 of 4 stars; one submission).

Conditions:
Epilepsy, familial adult myoclonic, 5 (EPEO5). Also called: CORTICAL MYOCLONIC TREMOR WITH EPILEPSY, FAMILIAL, 5. Identifiers: Orphanet 86814, MedGen C3809374, MONDO:0014167, OMIM 615400.

Allele frequency attached by ClinVar (database versions not stated): TOPMed 0.00014; 1000 Genomes Project 30x 0.00016.
gnomAD v4.1: 231 of 1,614,192 alleles (0.014%); highest among the groups gnomAD compares: Non-Finnish European, 0.018%; no homozygotes.

Submission:

Labcorp Genetics (formerly Invitae), Labcorp
Classification: Uncertain significance for Epilepsy, familial adult myoclonic, 5. Last evaluated: 2026-02-02. Review status: criteria provided, single submitter. Criteria: Invitae Variant Classification Sherloc (09022015). Collection method: clinical testing. Allele origin: germline.
Comment: This sequence change replaces histidine, which is basic and polar, with glutamine, which is neutral and polar, at codon 962 of the CNTN2 protein (p.His962Gln). This variant is present in population databases (rs56111335, gnomAD 0.02%). This variant has not been reported in the literature in individuals affected with CNTN2-related conditions. ClinVar contains an entry for this variant (Variation ID: 837129). Invitae Evidence Modeling of protein sequence and biophysical properties (such as structural, functional, and spatial information, amino acid conservation, physicochemical variation, residue mobility, and thermodynamic stability) indicates that this missense variant is not expected to disrupt CNTN2 protein function with a negative predictive value of 95%. In summary, the available evidence is currently insufficient to determine the role of this variant in disease. Therefore, it has been classified as a Variant of Uncertain Significance.

NM_005076.5(CNTN2):c.2886C>G (p.His962Gln)

Genes: CNTN2 (contactin 2; plus strand), LOC126805985 (MED14-independent group 3 enhancer GRCh37_chr1:205041546-205042745; plus strand). Cytogenetic location: 1q32.1.
Variant type: single nucleotide variant.
Coding change: c.2886C>G on transcript NM_005076.5 (MANE Select); coding-DNA position 2886, C replaced by G.
Protein change: p.His962Gln; replaces histidine 962 with glutamine.
Molecular consequence: missense variant. On other transcripts: non-coding transcript variant (1).
Genome position (GRCh38, 1-based): chr1:205,073,109, C>G. VCF-style: chr1-205073109-C-G. GRCh37 (hg19) VCF-style: chr1-205042237-C-G.
Other names: c.2886C>G, p.His962Gln (NM_001346083.2); short protein forms H962Q.
Identifiers: ClinVar variation 837129 (VCV000837129.7), dbSNP rs56111335, ClinGen allele CA1351830.